The following is an entry in ClinVar:

ClinVar aggregate classification (germline): Uncertain significance (1 of 4 stars; one submission).

Allele frequency attached by ClinVar (database versions not stated): gnomAD exomes below 0.00001.
gnomAD v4.1: 1 of 1,614,058 alleles (0.000062%); highest among the groups gnomAD compares: Non-Finnish European, 0.000085%; no homozygotes.

Submission:

Labcorp Genetics (formerly Invitae), Labcorp
Classification: Uncertain significance. Last evaluated: 2021-10-11. Review status: criteria provided, single submitter. Criteria: Invitae Variant Classification Sherloc (09022015). Collection method: clinical testing. Allele origin: germline.
Comment: In summary, the available evidence is currently insufficient to determine the role of this variant in disease. Therefore, it has been classified as a Variant of Uncertain Significance. Algorithms developed to predict the effect of missense changes on protein structure and function are either unavailable or do not agree on the potential impact of this missense change (SIFT: "Deleterious"; PolyPhen-2: "Probably Damaging"; Align-GVGD: "Class C0"). This variant has not been reported in the literature in individuals affected with PLD1-related conditions. This variant is not present in population databases (ExAC no frequency). This sequence change replaces histidine with arginine at codon 463 of the PLD1 protein (p.His463Arg). The histidine residue is highly conserved and there is a small physicochemical difference between histidine and arginine.

NM_002662.5(PLD1):c.1388A>G (p.His463Arg)

Gene: PLD1 (phospholipase D1; minus strand). Cytogenetic location: 3q26.31.
Variant type: single nucleotide variant.
Coding change: c.1388A>G on transcript NM_002662.5 (MANE Select); coding-DNA position 1388, A replaced by G.
Protein change: p.His463Arg; replaces histidine 463 with arginine.
Molecular consequence: missense variant.
Genome position (GRCh38, 1-based): chr3:171,688,827, T>C on the plus strand (A>G on the coding strand, the complement: PLD1 is on the minus strand). VCF-style: chr3-171688827-T-C. GRCh37 (hg19) VCF-style: chr3-171406617-T-C.
Other names: c.1388A>G, p.His463Arg (NM_001130081.3); short protein forms H463R.
Identifiers: ClinVar variation 1420230 (VCV001420230.6), dbSNP rs2108512237, ClinGen allele CA355500444.
Genomic context (GRCh38, chr3:171,688,827, plus strand): 5'-GCCAGGTCAATCCCTCCCACAAAGGCCACCGATTGGTCAATGATGACAAGCTTCTCATGG[T>C]GAGCCCACAAATAGACGGTGGATGACACATGATCCGGGTGTCTCATCACCTTGAGAGGGA-3'
Protein context (NP_002653.1, residues 453-473): HVSSTVYLWA[His463Arg]HEKLVIIDQS